The following is an entry in ClinVar:

ClinVar aggregate classification (germline): Uncertain significance (1 of 4 stars; one submission).

Conditions:
Familial meningioma. Also called: Meningioma, familial, susceptibility to. Identifiers: Orphanet 263662, MedGen C3551915, MONDO:0011789, OMIM 607174.

Submission:

Labcorp Genetics (formerly Invitae), Labcorp
Classification: Uncertain significance for Familial meningioma. Last evaluated: 2023-08-18. Review status: criteria provided, single submitter. Criteria: Invitae Variant Classification Sherloc (09022015). Collection method: clinical testing. Allele origin: germline.
Comment: In summary, the available evidence is currently insufficient to determine the role of this variant in disease. Therefore, it has been classified as a Variant of Uncertain Significance. Advanced modeling of protein sequence and biophysical properties (such as structural, functional, and spatial information, amino acid conservation, physicochemical variation, residue mobility, and thermodynamic stability) performed at Invitae indicates that this missense variant is not expected to disrupt SMARCE1 protein function. This variant has not been reported in the literature in individuals affected with SMARCE1-related conditions. This variant is not present in population databases (gnomAD no frequency). This sequence change replaces methionine, which is neutral and non-polar, with valine, which is neutral and non-polar, at codon 340 of the SMARCE1 protein (p.Met340Val).

NM_003079.5(SMARCE1):c.1018A>G (p.Met340Val)

Gene: SMARCE1 (SWI/SNF related BAF chromatin remodeling complex subunit E1; minus strand). Cytogenetic location: 17q21.2.
Variant type: single nucleotide variant.
Coding change: c.1018A>G on transcript NM_003079.5 (MANE Select); coding-DNA position 1018, A replaced by G.
Protein change: p.Met340Val; replaces methionine 340 with valine.
Molecular consequence: missense variant.
Genome position (GRCh38, 1-based): chr17:40,630,723, T>C on the plus strand (A>G on the coding strand, the complement: SMARCE1 is on the minus strand). VCF-style: chr17-40630723-T-C. GRCh37 (hg19) VCF-style: chr17-38786975-T-C.
Other names: short protein forms M340V.
Identifiers: ClinVar variation 2816914 (VCV002816914.3), dbSNP rs2508595760, ClinGen allele CA399363115.